The following is an entry in ClinVar:

NM_001242.5(CD27):c.208T>C (p.Ser70Pro)

Genes: CD27 (CD27 molecule; plus strand), CD27-AS1 (CD27 antisense RNA 1; minus strand). Cytogenetic location: 12p13.31.
Variant type: single nucleotide variant.
Coding change: c.208T>C on transcript NM_001242.5 (MANE Select); coding-DNA position 208, T replaced by C.
Protein change: p.Ser70Pro; replaces serine 70 with proline.
Molecular consequence: missense variant.
Genome position (GRCh38, 1-based): chr12:6,445,495, T>C. VCF-style: chr12-6445495-T-C. GRCh37 (hg19) VCF-style: chr12-6554661-T-C.
Other names: short protein forms S70P.
Identifiers: ClinVar variation 1508920 (VCV001508920.5), dbSNP rs868070072, ClinGen allele CA232316039.
Genomic context (GRCh38, chr12:6,445,495, plus strand): 5'-GTGAAGGACTGTGACCAGCATAGAAAGGCTGCTCAGTGTGATCCTTGCATACCGGGGGTC[T>C]CCTTCTCTCCTGACCACCACACCCGGCCCCACTGTGAGAGCTGTCGGCACTGTAACTCTG-3'
Protein context (NP_001233.2, residues 60-80): AQCDPCIPGV[Ser70Pro]FSPDHHTRPH

ClinVar aggregate classification (germline): Uncertain significance (1 of 4 stars; one submission).

Conditions:
Lymphoproliferative syndrome 2 (LPFS2). Also called: CD27 DEFICIENCY; Combined immunodeficiency due to CD27 deficiency. Identifiers: Orphanet 238505, MedGen C3554540, MONDO:0014054, OMIM 615122.

Allele frequency attached by ClinVar (database versions not stated): gnomAD 0.00003 and 0.00006; TOPMed 0.00003.
gnomAD v4.1: 11 of 1,613,952 alleles (0.00068%); highest among the groups gnomAD compares: Admixed American, 0.015%; no homozygotes.

Submission:

Labcorp Genetics (formerly Invitae), Labcorp
Classification: Uncertain significance for Lymphoproliferative syndrome 2. Last evaluated: 2021-07-26. Review status: criteria provided, single submitter. Criteria: Invitae Variant Classification Sherloc (09022015). Collection method: clinical testing. Allele origin: germline.
Comment: This sequence change replaces serine with proline at codon 70 of the CD27 protein (p.Ser70Pro). The serine residue is highly conserved and there is a moderate physicochemical difference between serine and proline. This variant is not present in population databases (ExAC no frequency). This variant has not been reported in the literature in individuals affected with CD27-related conditions. Algorithms developed to predict the effect of missense changes on protein structure and function (SIFT, PolyPhen-2, Align-GVGD) all suggest that this variant is likely to be disruptive. In summary, the available evidence is currently insufficient to determine the role of this variant in disease. Therefore, it has been classified as a Variant of Uncertain Significance.